The following is an entry in ClinVar:

NM_001458.5(FLNC):c.5438A>G (p.Asn1813Ser)

Genes: FLNC-AS1 (FLNC antisense RNA 1; minus strand), FLNC (filamin C; plus strand). Cytogenetic location: 7q32.1.
Variant type: single nucleotide variant.
Coding change: c.5438A>G on transcript NM_001458.5 (MANE Select); coding-DNA position 5438, A replaced by G.
Protein change: p.Asn1813Ser; replaces asparagine 1813 with serine.
Molecular consequence: missense variant.
Genome position (GRCh38, 1-based): chr7:128,850,842, A>G. VCF-style: chr7-128850842-A-G. GRCh37 (hg19) VCF-style: chr7-128490896-A-G.
Other names: c.5339A>G, p.Asn1780Ser (NM_001127487.2); short protein forms N1813S, N1780S.
Identifiers: ClinVar variation 2160500 (VCV002160500.4), dbSNP rs776034623, ClinGen allele CA4475698.

ClinVar aggregate classification (germline): Uncertain significance (1 of 4 stars; one submission).

Conditions:
Myofibrillar myopathy 5. Also called: Filaminopathy (type); FILAMINOPATHY, AUTOSOMAL DOMINANT. Identifiers: Orphanet 171445, MedGen C1836050, MONDO:0012289, OMIM 609524.
Hypertrophic cardiomyopathy 26. Also called: Cardiomyopathy, familial hypertrophic, 26. Identifiers: Orphanet 75249, MedGen C4310749, MONDO:0014883, OMIM 617047.
Distal myopathy with posterior leg and anterior hand involvement. Also called: WILLIAMS DISTAL MYOPATHY. Identifiers: Orphanet 63273, MedGen C3279722, MONDO:0013550, OMIM 614065.

Allele frequency attached by ClinVar (database versions not stated): gnomAD exomes below 0.00001; ExAC 0.00001.
gnomAD v4.1: 1 of 1,613,706 alleles (0.000062%); highest among the groups gnomAD compares: Non-Finnish European, 0.000085%; no homozygotes.

Submission:

Labcorp Genetics (formerly Invitae), Labcorp
Classification: Uncertain significance for Distal myopathy with posterior leg and anterior hand involvement; Myofibrillar myopathy 5; Hypertrophic cardiomyopathy 26. Last evaluated: 2024-11-04. Review status: criteria provided, single submitter. Criteria: Invitae Variant Classification Sherloc (09022015). Collection method: clinical testing. Allele origin: germline.
Comment: This sequence change replaces asparagine, which is neutral and polar, with serine, which is neutral and polar, at codon 1813 of the FLNC protein (p.Asn1813Ser). This variant is present in population databases (rs776034623, gnomAD 0.0009%). This variant has not been reported in the literature in individuals affected with FLNC-related conditions. ClinVar contains an entry for this variant (Variation ID: 2160500). An algorithm developed to predict the effect of missense changes on protein structure and function outputs the following: PolyPhen-2: "Benign". The serine amino acid residue is found in multiple mammalian species, which suggests that this missense change does not adversely affect protein function. In summary, the available evidence is currently insufficient to determine the role of this variant in disease. Therefore, it has been classified as a Variant of Uncertain Significance.